The following is an entry in ClinVar:

NM_020738.4(KIDINS220):c.4503C>A (p.Ser1501Arg)

Gene: KIDINS220 (kinase D interacting substrate 220; minus strand). Cytogenetic location: 2p25.1.
Variant type: single nucleotide variant.
Coding change: c.4503C>A on transcript NM_020738.4 (MANE Select); coding-DNA position 4503, C replaced by A.
Protein change: p.Ser1501Arg; replaces serine 1501 with arginine.
Molecular consequence: missense variant. On other transcripts: intron variant (6).
Genome position (GRCh38, 1-based): chr2:8,731,533, G>T on the plus strand (C>A on the coding strand, the complement: KIDINS220 is on the minus strand). VCF-style: chr2-8731533-G-T. GRCh37 (hg19) VCF-style: chr2-8871663-G-T.
Other names: c.4446C>A, p.Ser1482Arg (NM_001348732.2); c.4335C>A, p.Ser1445Arg (NM_001348734.2); c.4332C>A, p.Ser1444Arg (NM_001348735.2); c.4206C>A, p.Ser1402Arg (NM_001348736.2); c.3882+1911C>A (NM_001348741.2, NM_001348742.2, NM_001348743.2); c.3996+1911C>A (NM_001348738.2); c.3885+1911C>A (NM_001348739.2, NM_001348740.2); c.4506C>A, p.Ser1502Arg (NM_001348729.2); and 1 more; short protein forms S1402R, S1501R, S1445R, S1444R, S1502R, S1482R, S1483R.
Identifiers: ClinVar variation 3693456 (VCV003693456.2).

ClinVar aggregate classification (germline): Uncertain significance (1 of 4 stars; one submission).

gnomAD v4.1: 2 of 1,614,218 alleles (0.00012%); highest among the groups gnomAD compares: African/African-American, 0.0013%; no homozygotes.

Submission:

Labcorp Genetics (formerly Invitae), Labcorp
Classification: Uncertain significance. Last evaluated: 2024-09-27. Review status: criteria provided, single submitter. Criteria: Invitae Variant Classification Sherloc (09022015). Collection method: clinical testing. Allele origin: germline.
Comment: This sequence change replaces serine, which is neutral and polar, with arginine, which is basic and polar, at codon 1501 of the KIDINS220 protein (p.Ser1501Arg). This variant is not present in population databases (gnomAD no frequency). This variant has not been reported in the literature in individuals affected with KIDINS220-related conditions. An algorithm developed to predict the effect of missense changes on protein structure and function (PolyPhen-2) suggests that this variant is likely to be disruptive. In summary, the available evidence is currently insufficient to determine the role of this variant in disease. Therefore, it has been classified as a Variant of Uncertain Significance.